The following is an entry in ClinVar:

ClinVar aggregate classification (germline): Uncertain significance (1 of 4 stars; one submission).

Submission:

GeneDx
Classification: Uncertain significance. Last evaluated: 2026-04-04. Review status: criteria provided, single submitter. Criteria: GeneDx Variant Classification Process June 2021. Collection method: clinical testing. Allele origin: germline.
Comment: Not observed at significant frequency in large population cohorts (gnomAD); Nonsense variant predicted to result in protein truncation or nonsense mediated decay in a gene or region of a gene for which loss of function is not a well-established mechanism of disease; Has not been previously published as pathogenic or benign to our knowledge

NM_001101.5(ACTB):c.175C>T (p.Gln59Ter)

Gene: ACTB (actin beta; minus strand). Cytogenetic location: 7p22.1.
Variant type: single nucleotide variant.
Coding change: c.175C>T on transcript NM_001101.5 (MANE Select); coding-DNA position 175, C replaced by T.
Protein change: p.Gln59Ter; replaces glutamine 59 with a stop codon.
Molecular consequence: nonsense.
Genome position (GRCh38, 1-based): chr7:5,529,349, G>A on the plus strand (C>T on the coding strand, the complement: ACTB is on the minus strand). VCF-style: chr7-5529349-G-A. GRCh37 (hg19) VCF-style: chr7-5568980-G-A.
Other names: short protein forms Q59*.
Identifiers: ClinVar variation 5018233 (VCV005018233.1).